The following is an entry in ClinVar:

NM_000051.4(ATM):c.8151+3G>A

Genes: ATM (ATM serine/threonine kinase; plus strand), C11orf65 (chromosome 11 open reading frame 65; minus strand). Cytogenetic location: 11q22.3.
Variant type: single nucleotide variant.
Coding change: c.8151+3G>A on transcript NM_000051.4 (MANE Select); 3 bases into the intron after coding-DNA position 8151, G replaced by A.
Molecular consequence: intron variant.
Genome position (GRCh38, 1-based): chr11:108,335,112, G>A. VCF-style: chr11-108335112-G-A. GRCh37 (hg19) VCF-style: chr11-108205839-G-A.
Other names: c.8151+3G>A (NM_001351834.2); c.641-26041C>T (NM_001330368.2); c.*38+108C>T (NM_001351110.2).
Identifiers: ClinVar variation 380657 (VCV000380657.15), dbSNP rs760065522, ClinGen allele CA6266279.

ClinVar aggregate classification (germline): Conflicting classifications of pathogenicity. Review status: criteria provided, conflicting classifications (1 of 4 stars). 7 submissions from 7 submitters: Uncertain significance (1); Likely benign (5). 1 of the submissions does not count toward it. Last evaluated 2026-01-26.

Conditions:
Familial cancer of breast. Also called: hereditary breast carcinoma; Hereditary breast cancer; BREAST CANCER, FAMILIAL. Identifiers: Orphanet 227535, MedGen C0346153, MONDO:0016419, OMIM 114480. Disease mechanism: loss of function.
Ataxia-telangiectasia syndrome (AT). Also called: Ataxia-telangiectasia, complementation group D; Ataxia-telangiectasia, complementation group E; LOUIS-BAR SYNDROME; AT, COMPLEMENTATION GROUP C; ATAXIA-TELANGIECTASIA, COMPLEMENTATION GROUP A; ATAXIA-TELANGIECTASIA, FRESNO VARIANT. Identifiers: Orphanet 100, MedGen C0004135, MONDO:0008840, OMIM 208900.
ATM-related disorder. Also called: ATM-related disorders; ATM-related condition.
Hereditary cancer-predisposing syndrome. Also called: Neoplastic Syndromes, Hereditary; Hereditary neoplastic syndrome; Hereditary Cancer Syndrome; Tumor predisposition. Identifiers: Orphanet 140162, MedGen C0027672, MeSH D009386, MONDO:0015356.

Allele frequency attached by ClinVar (database versions not stated): ExAC 0.00001.

Submissions (7):

Labcorp Genetics (formerly Invitae), Labcorp
Classification: Likely benign for Ataxia-telangiectasia syndrome. Last evaluated: 2026-01-26. Review status: criteria provided, single submitter. Criteria: Invitae Variant Classification Sherloc (09022015). Collection method: clinical testing. Allele origin: germline.

PreventionGenetics, part of Exact Sciences
Classification: Likely benign for ATM-related condition. Last evaluated: 2025-05-21. Review status: criteria provided, single submitter. Criteria: ACMG Guidelines, 2015. Collection method: clinical testing. Allele origin: germline.
Comment: This variant is classified as likely benign based on ACMG/AMP sequence variant interpretation guidelines (Richards et al. 2015 PMID: 25741868, with internal and published modifications).

Color Diagnostics, LLC DBA Color Health
Classification: Uncertain significance for Hereditary cancer-predisposing syndrome. Last evaluated: 2024-11-21. Review status: criteria provided, single submitter. Criteria: ACMG Guidelines, 2015. Collection method: clinical testing. Allele origin: germline.
Comment: This variant causes a G to A nucleotide substitution at the +3 position of intron 55/62 of the ATM gene. To our knowledge, RNA studies have not been reported for this variant. This variant has not been reported in individuals affected with ATM-related disorders in the literature. This variant has not been identified in the general population by the Genome Aggregation Database (gnomAD). The available evidence is insufficient to determine the role of this variant in disease conclusively. Therefore, this variant is classified as a Variant of Uncertain Significance.

Myriad Genetics, Inc.
Classification: Likely benign for Familial cancer of breast. Last evaluated: 2024-06-18. Review status: criteria provided, single submitter. Criteria: Myriad Autosomal Dominant, Autosomal Recessive and X-Linked Classification Criteria (2023). Collection method: clinical testing. Allele origin: unknown.
Comment: This variant is considered likely benign. This variant is intronic and is not expected to impact mRNA splicing.

Ambry Genetics
Classification: Likely benign for Hereditary cancer-predisposing syndrome. Last evaluated: 2023-03-21. Review status: criteria provided, single submitter. Criteria: Ambry Variant Classification Scheme 2023. Collection method: clinical testing. Allele origin: germline.

GeneDx
Classification: Likely benign. Last evaluated: 2016-12-14. Review status: criteria provided, single submitter. Criteria: GeneDx Variant Classification (06012015). Collection method: clinical testing. Allele origin: germline. Affected: yes.
Comment: This variant is considered likely benign or benign based on one or more of the following criteria: it is a conservative change, it occurs at a poorly conserved position in the protein, it is predicted to be benign by multiple in silico algorithms, and/or has population frequency not consistent with disease.

Natera, Inc.
Classification: Uncertain significance for Ataxia-telangiectasia. Last evaluated: 2025-04-10. Review status: no assertion criteria provided. Collection method: clinical testing. Allele origin: germline. Not counted in ClinVar's aggregate classification.